The following is an entry in ClinVar:

NM_000059.4(BRCA2):c.6568G>T (p.Val2190Leu)

Gene: BRCA2 (BRCA2 DNA repair associated; plus strand). Cytogenetic location: 13q13.1.
Variant type: single nucleotide variant.
Coding change: c.6568G>T on transcript NM_000059.4 (MANE Select); coding-DNA position 6568, G replaced by T.
Protein change: p.Val2190Leu; replaces valine 2190 with leucine.
Molecular consequence: missense variant.
Genome position (GRCh38, 1-based): chr13:32,340,923, G>T. VCF-style: chr13-32340923-G-T. GRCh37 (hg19) VCF-style: chr13-32915060-G-T.
Other names: short protein forms V2190L.
Identifiers: ClinVar variation 231894 (VCV000231894.17), dbSNP rs80358888, ClinGen allele CA6940968.
Genomic context (GRCh38, chr13:32,340,923, plus strand): 5'-AAAGTGTCACTTGTTGAGAACATTCATGTTTTGGGAAAAGAACAGGCTTCACCTAAAAAC[G>T]TAAAAATGGAAATTGGTAAAACTGAAACTTTTTCTGATGTTCCTGTGAAAACAAATATAG-3'
Protein context (NP_000050.3, residues 2180-2200): LGKEQASPKN[Val2190Leu]KMEIGKTETF

ClinVar aggregate classification (germline): Conflicting classifications of pathogenicity. Review status: criteria provided, conflicting classifications (1 of 4 stars). 4 submissions from 4 submitters: Uncertain significance (3); Likely benign (1). Last evaluated 2026-01-24.

Conditions:
Hereditary cancer-predisposing syndrome. Also called: Neoplastic Syndromes, Hereditary; Tumor predisposition; Hereditary Cancer Syndrome; Hereditary neoplastic syndrome. Identifiers: Orphanet 140162, MedGen C0027672, MeSH D009386, MONDO:0015356.
Hereditary breast ovarian cancer syndrome. Also called: BRCA1- and BRCA2-Associated Hereditary Breast and Ovarian Cancer; Hereditary breast and ovarian cancer syndrome; Hereditary breast and ovarian cancer; Hereditary breast and ovarian cancer syndrome (HBOC); Breast and ovarian cancer; Hereditary breast and/or ovarian cancer syndrome. Identifiers: Orphanet 145, MedGen C0677776, MeSH D061325, MONDO:0003582. Disease mechanism: loss of function.

Allele frequency attached by ClinVar (database versions not stated): TOPMed 0.00001; ExAC 0.00002; ESP Exome Variant Server 0.00008.
gnomAD v4.1: 5 of 1,610,068 alleles (0.00031%); highest among the groups gnomAD compares: African/African-American, 0.0027%; no homozygotes.

Submissions (4):

Labcorp Genetics (formerly Invitae), Labcorp
Classification: Uncertain significance for Hereditary breast ovarian cancer syndrome. Last evaluated: 2026-01-24. Review status: criteria provided, single submitter. Criteria: Invitae Variant Classification Sherloc (09022015). Collection method: clinical testing. Allele origin: germline.
Comment: This sequence change replaces valine, which is neutral and non-polar, with leucine, which is neutral and non-polar, at codon 2190 of the BRCA2 protein (p.Val2190Leu). This variant is present in population databases (rs80358888, gnomAD 0.007%). This variant has not been reported in the literature in individuals affected with BRCA2-related conditions. ClinVar contains an entry for this variant (Variation ID: 231894). Invitae Evidence Modeling of protein sequence and biophysical properties (such as structural, functional, and spatial information, amino acid conservation, physicochemical variation, residue mobility, and thermodynamic stability) indicates that this missense variant is not expected to disrupt BRCA2 protein function with a negative predictive value of 95%. In summary, the available evidence is currently insufficient to determine the role of this variant in disease. Therefore, it has been classified as a Variant of Uncertain Significance.

Ambry Genetics
Classification: Uncertain significance for Hereditary cancer-predisposing syndrome. Last evaluated: 2025-03-28. Review status: criteria provided, single submitter. Criteria: Ambry Variant Classification Scheme 2023. Collection method: clinical testing. Allele origin: germline.
Comment: The p.V2190L variant (also known as c.6568G>T), located in coding exon 10 of the BRCA2 gene, results from a G to T substitution at nucleotide position 6568. The valine at codon 2190 is replaced by leucine, an amino acid with highly similar properties. This amino acid position is poorly conserved in available vertebrate species. In addition, this alteration is predicted to be tolerated by in silico analysis. Since supporting evidence is limited at this time, the clinical significance of this alteration remains unclear.

University of Washington Department of Laboratory Medicine, University of Washington
Classification: Likely benign for Hereditary cancer-predisposing syndrome. Last evaluated: 2023-03-23. Review status: criteria provided, single submitter. Criteria: Dines et al. (Genet Med. 2020). Collection method: curation. Allele origin: germline.
Comment: Missense variant in a coldspot region where missense variants are very unlikely to be pathogenic (PMID:31911673).

BRCA2 exon 11 coldspot. Reclassification based on statistical prior probability.

Women's Health and Genetics/Laboratory Corporation of America, LabCorp
Classification: Uncertain significance. Last evaluated: 2019-09-06. Review status: criteria provided, single submitter. Criteria: LabCorp Variant Classification Summary - May 2015. Collection method: clinical testing. Allele origin: germline.
Comment: Variant summary: BRCA2 c.6568G>T (p.Val2190Leu) results in a conservative amino acid change in the encoded protein sequence. Five of five in-silico tools predict a benign effect of the variant on protein function. The variant allele was found at a frequency of 8.1e-06 in 246604 control chromosomes (gnomAD). The available data on variant occurrences in the general population are insufficient to allow any conclusion about variant significance. To our knowledge, no occurrence of c.6568G>T in individuals affected with Hereditary Breast and Ovarian Cancer and no experimental evidence demonstrating its impact on protein function have been reported. Two ClinVar submissions (evaluation after 2014) cite the variant as uncertain significance. Based on the evidence outlined above, the variant was classified as uncertain significance.